The following is an entry in ClinVar:

NM_001034853.2(RPGR):c.2790_2810del (p.Glu934_Glu940del)

Gene: RPGR (retinitis pigmentosa GTPase regulator; minus strand). Cytogenetic location: Xp11.4.
Variant type: Deletion.
Coding change: c.2790_2810del on transcript NM_001034853.2 (MANE Select); coding-DNA positions 2790 to 2810, 21 bases deleted (GGAGGGGGAAGAGGAGGAAGG).
Protein change: p.Glu934_Glu940del.
Molecular consequence: inframe deletion. On other transcripts: intron variant (8).
Genome position (GRCh38, 1-based): chrX:38,286,189-38,286,209, CCTTCCTCCTCTTCCCCCTCC deleted on the plus strand (GGAGGGGGAAGAGGAGGAAGG on the coding strand, the reverse complement: RPGR is on the minus strand); deleting any 21 consecutive bases within chrX:38,286,189-38,286,214 gives the same sequence; the c. name uses the placement nearest the transcript's 3' end. VCF-style (leftmost placement, unchanged base first): chrX-38286188-TCCTTCCTCCTCTTCCCCCTCC-T. GRCh37 (hg19) VCF-style: chrX-38145441-TCCTTCCTCCTCTTCCCCCTCC-T.
Other names: c.1569+4750_1569+4770del (NM_001367249.1, NM_001367250.1); c.1902+885_1902+905del (NM_001367245.1); c.1386+4750_1386+4770del (NM_001367251.1); c.1719+885_1719+905del (NM_001367246.1); c.1572+4750_1572+4770del (NM_001367247.1); c.1905+885_1905+905del (NM_000328.3); c.1602+4750_1602+4770del (NM_001367248.1).
Identifiers: ClinVar variation 2057480 (VCV002057480.3), dbSNP rs2067152361, ClinGen allele CA1132420052.

ClinVar aggregate classification (germline): Uncertain significance (1 of 4 stars; one submission).

Conditions:
Primary ciliary dyskinesia. Also called: Ciliary dyskinesia. Identifiers: Orphanet 244, MedGen C0008780, MONDO:0016575, HP:0012265.

Submission:

Labcorp Genetics (formerly Invitae), Labcorp
Classification: Uncertain significance for Primary ciliary dyskinesia. Last evaluated: 2023-04-25. Review status: criteria provided, single submitter. Criteria: Invitae Variant Classification Sherloc (09022015). Collection method: clinical testing. Allele origin: germline.
Comment: In summary, the available evidence is currently insufficient to determine the role of this variant in disease. Therefore, it has been classified as a Variant of Uncertain Significance. Experimental studies and prediction algorithms are not available or were not evaluated, and the functional significance of this variant is currently unknown. This variant, c.2790_2810del, results in the deletion of 7 amino acid(s) of the RPGR (ORF15) protein (p.Glu934_Glu940del), but otherwise preserves the integrity of the reading frame. The frequency data for this variant in the population databases is considered unreliable, as metrics indicate insufficient coverage at this position in the gnomAD database. This variant has not been reported in the literature in individuals affected with RPGR (ORF15)-related conditions. ClinVar contains an entry for this variant (Variation ID: 2057480).